The following is an entry in ClinVar:

NM_001128228.3(TPRN):c.1748A>G (p.Lys583Arg)

Gene: TPRN (taperin; minus strand). Cytogenetic location: 9q34.3.
Variant type: single nucleotide variant.
Coding change: c.1748A>G on transcript NM_001128228.3 (MANE Select); coding-DNA position 1748, A replaced by G.
Protein change: p.Lys583Arg; replaces lysine 583 with arginine.
Molecular consequence: missense variant.
Genome position (GRCh38, 1-based): chr9:137,192,669, T>C on the plus strand (A>G on the coding strand, the complement: TPRN is on the minus strand). VCF-style: chr9-137192669-T-C. GRCh37 (hg19) VCF-style: chr9-140087121-T-C.
Other names: short protein forms K583R.
Identifiers: ClinVar variation 43960 (VCV000043960.22), dbSNP rs139459217, ClinGen allele CA133240.
Genomic context (GRCh38, chr9:137,192,669, plus strand): 5'-ACCTCTTCCTCCTGCTCTAGGGAGCTCTCGGAAGGGTACTCAAATGTGGTCTGCAGGCTT[T>C]TGTCGTTGAAGGAGATCTTCATCTGGGAGTGAGAGTCACGTGAACGAGGGCTGAGGGCCC-3'
Protein context (NP_001121700.2, residues 573-593): RKKMKISFND[Lys583Arg]SLQTTFEYPS

ClinVar aggregate classification (germline): Benign/Likely benign. Review status: criteria provided, multiple submitters, no conflicts (2 of 4 stars). 8 submissions from 8 submitters: Benign (2); Likely benign (5). 1 of the submissions does not count toward it. Last evaluated 2026-08-01.

Conditions:
TPRN-related disorder. Also called: TPRN-related condition.

Allele frequency attached by ClinVar (database versions not stated): gnomAD exomes 0.00304 and 0.00315; 1000 Genomes Project 30x 0.00094; gnomAD 0.00238 and 0.00247; 1000 Genomes Project 0.00080; TOPMed 0.00201; ESP Exome Variant Server 0.00261; ExAC 0.00334.
gnomAD v4.1: 4,805 of 1,613,868 alleles (0.3%); highest among the groups gnomAD compares: Non-Finnish European, 0.32%; 8 homozygotes.

Submissions (8):

CeGaT Center for Human Genetics Tuebingen
Classification: Likely benign. Last evaluated: 2026-08-01. Review status: criteria provided, single submitter. Criteria: CeGaT Center For Human Genetics Tuebingen Variant Classification Criteria Version 2. Collection method: clinical testing. Allele origin: germline. Affected: yes. Observed: 2 variant alleles.
Comment: TPRN: BP4

Labcorp Genetics (formerly Invitae), Labcorp
Classification: Benign. Last evaluated: 2026-01-05. Review status: criteria provided, single submitter. Criteria: Invitae Variant Classification Sherloc (09022015). Collection method: clinical testing. Allele origin: germline.

Blueprint Genetics
Classification: Likely benign. Last evaluated: 2024-11-26. Review status: criteria provided, single submitter. Criteria: ACMG Guidelines, 2015. Collection method: clinical testing. Allele origin: germline.

GeneDx
Classification: Benign. Last evaluated: 2019-06-20. Review status: criteria provided, single submitter. Criteria: GeneDx Variant Classification Process June 2021. Collection method: clinical testing. Allele origin: germline. Affected: yes.

Eurofins Ntd Llc (ga)
Classification: Likely benign. Last evaluated: 2016-03-08. Review status: criteria provided, single submitter. Criteria: EGL Classification Definitions 2015. Collection method: clinical testing. Allele origin: germline. Observed: 1 variant allele, 1 heterozygote.

Laboratory for Molecular Medicine, Mass General Brigham Personalized Medicine
Classification: Likely benign. Last evaluated: 2012-05-07. Review status: criteria provided, single submitter. Criteria: LMM Criteria. Collection method: clinical testing. Allele origin: germline. Observed: 6 variant alleles.
Comment: p.Lys583Arg in exon 02 of TPRN: This variant is not expected to have clinical si gnificance because it has been identified in 0.9% (60/6614) of Finnish chromosom es by the Exome Aggregation Consortium (ExAC; d bSNP rs139459217).

Breakthrough Genomics
Classification: Likely benign. Review status: criteria provided, single submitter. Criteria: ACMG Guidelines, 2015. Collection method: not provided. Allele origin: germline. Inheritance: Autosomal recessive inheritance. Affected: yes.

PreventionGenetics, part of Exact Sciences
Classification: Benign for TPRN-related condition. Last evaluated: 2020-01-21. Review status: no assertion criteria provided. Collection method: clinical testing. Allele origin: germline. Not counted in ClinVar's aggregate classification.
Comment: This variant is classified as benign based on ACMG/AMP sequence variant interpretation guidelines (Richards et al. 2015 PMID: 25741868, with internal and published modifications).